The following is an entry in ClinVar:

ClinVar aggregate classification (germline): Uncertain significance (1 of 4 stars; one submission).

Conditions:
POLD1-related polyposis and colorectal cancer syndrome (CRCS10). Also called: Colorectal cancer 10; COLORECTAL CANCER, SUSCEPTIBILITY TO, ON CHROMOSOME 19q; Colorectal cancer, susceptibility to, 10. Identifiers: Orphanet 220460, MedGen C2675481, MONDO:0012953, OMIM 612591.

Submission:

Labcorp Genetics (formerly Invitae), Labcorp
Classification: Uncertain significance for POLD1-related polyposis and colorectal cancer syndrome. Last evaluated: 2023-03-19. Review status: criteria provided, single submitter. Criteria: Invitae Variant Classification Sherloc (09022015). Collection method: clinical testing. Allele origin: germline.
Comment: This variant is not present in population databases (gnomAD no frequency). This sequence change creates a premature translational stop signal (p.Gly184Aspfs*69) in the POLD1 gene. Missense variants that disrupt the 3'-5' exonuclease (proof-reading) activity of the POLD1 protein are associated with PPAP (polymerase proofreading–associated polyposis) (PMID: 23263490, 23447401). However, loss-of-function variants that result in an absent or severely disrupted POLD1 protein, and missense variants outside the exonuclease domain, are unlikely to be associated with PPAP. This variant has not been reported in the literature in individuals affected with POLD1-related conditions. In summary, the available evidence is currently insufficient to determine the role of this variant in disease. Therefore, it has been classified as a Variant of Uncertain Significance.

Literature cited by the submitters: PubMed 23263490; PubMed 23447401.

NM_002691.4(POLD1):c.547_550dup (p.Gly184fs)

Gene: POLD1 (DNA polymerase delta 1, catalytic subunit; plus strand). Cytogenetic location: 19q13.33.
Variant type: Duplication.
Coding change: c.547_550dup on transcript NM_002691.4 (MANE Select); coding-DNA positions 547 to 550, 4 bases duplicated (ACTG; older notation c.547_550dupACTG).
Protein change: p.Gly184fs; shifts the reading frame from glycine 184.
Molecular consequence: frameshift variant. On other transcripts: non-coding transcript variant (1).
Genome position (GRCh38, 1-based): chr19:50,402,082-50,402,085, ACTG duplicated; duplicating any 4 consecutive bases within chr19:50,402,079-50,402,085 gives the same sequence; the c. name uses the placement nearest the transcript's 3' end. VCF-style (leftmost placement, unchanged base first): chr19-50402078-G-GCTGA. GRCh37 (hg19) VCF-style: chr19-50905335-G-GCTGA.
Other names: c.547_550dup, p.Gly184fs (NM_001256849.1, NM_001308632.1); short protein forms G184fs.
Identifiers: ClinVar variation 2847404 (VCV002847404.3), dbSNP rs2513960060, ClinGen allele CA2739276938.